The following continues an entry in ClinVar:

NM_018075.5(ANO10):c.132dup (p.Asp45fs)

Gene: ANO10. ClinVar aggregate classification (germline): Pathogenic/Likely pathogenic. Pathogenic (20); Likely pathogenic (1).

Submissions 16 to 25 of 25:

Institute of Medical Genetics and Applied Genomics, University Hospital Tübingen
Classification: Pathogenic. Last evaluated: 2020-10-23. Review status: criteria provided, single submitter. Criteria: ACMG Guidelines, 2015. Collection method: clinical testing. Allele origin: germline. Inheritance: Autosomal recessive inheritance. Affected: yes.

Greenwood Genetic Center Diagnostic Laboratories, Greenwood Genetic Center
Classification: Pathogenic. Last evaluated: 2020-08-12. Review status: criteria provided, single submitter. Criteria: ACMG Guidelines, 2015. Collection method: clinical testing. Allele origin: germline. Affected: yes.

Eurofins Ntd Llc (ga)
Classification: Pathogenic. Last evaluated: 2018-08-01. Review status: criteria provided, single submitter. Criteria: EGL ClinVar v180209 classification definitions. Collection method: clinical testing. Allele origin: germline.

Laboratory for Molecular Medicine, Mass General Brigham Personalized Medicine
Classification: Pathogenic for Autosomal recessive cerebellar ataxia. Last evaluated: 2018-05-10. Review status: criteria provided, single submitter. Criteria: LMM Criteria. Collection method: clinical testing. Allele origin: germline. Inheritance: Autosomal recessive inheritance. Observed: 1 variant allele.
Comment: The p.Asp45fs variant in ANO10 has been previously reported in 6 compound hetero zygous individuals and 2 homozygous individuals with adult-onset autosomal reces sive spinocerebellar ataxia (Renaud 2014, Balreira 2014, Fogel 2014, Minnerop 20 15). This variant has also been identified in 0.08% (12/14786) of European chrom osomes by the Genome Aggregation Database (gnomAD. org; dbSNP rs540331226). Although this variant has been seen in the general popu lation, its frequency is low enough to be consistent with a recessive carrier fr equency for autosomal recessive spinocerebellar ataxia. This variant has also be en reported by other clinical laboratories in ClinVar (Variation ID: 162016). Th is variant is predicted to cause a frameshift, which alters the protein?s amino acid sequence beginning at position 45 and leads to a premature termination codo n 9 amino acids downstream. This alteration is then predicted to lead to a trunc ated or absent protein. In summary, the p.Asp45fs variant meets criteria to be c lassified as pathogenic for adult-onset autosomal recessive spinocerebellar atax ia. ACMG/AMP Criteria applied: PVS1; PM3_Strong.

Clinical Genetics and Genomics, Karolinska University Hospital
Classification: Likely pathogenic. Last evaluated: 2015-05-26. Review status: criteria provided, single submitter. Criteria: ACMG Guidelines, 2015. Collection method: clinical testing. Allele origin: germline. Affected: yes. Observed: 1 variant allele.

Juno Genomics, Hangzhou Juno Genomics, Inc
Classification: Pathogenic for Autosomal recessive spinocerebellar ataxia 10. Review status: criteria provided, single submitter. Criteria: ACMG Guidelines, 2015. Collection method: clinical testing. Allele origin: germline.
Comment: Absent from controls (or at extremely low frequency if recessive) in Genome Aggregation Database.;Null variant in a gene where loss of function (LOF) is a known mechanism of disease.;For recessive disorders, detected in trans with a pathogenic variant.;Co-segregation with disease in multiple affected family members.

Solve-RD Consortium
Classification: Likely pathogenic for Autosomal recessive spinocerebellar ataxia 10. Last evaluated: 2022-06-01. Review status: no assertion criteria provided. Collection method: provider interpretation. Allele origin: inherited. Affected: yes. Observed: 2 variant alleles. Not counted in ClinVar's aggregate classification.
Comment: Variant confirmed as disease-causing by referring clinical team

Variant identified during reanalysis of unsolved cases by the Solve-RD project. The Solve-RD project has received funding from the European Union’s Horizon 2020 research and innovation programme under grant agreement No 779257.

Equipe Genetique des Anomalies du Developpement, Université de Bourgogne
Classification: Pathogenic for Autosomal recessive spinocerebellar ataxia 10. Last evaluated: 2021-12-20. Review status: no assertion criteria provided. Collection method: clinical testing. Allele origin: inherited. Inheritance: Autosomal recessive inheritance. Affected: yes. Not counted in ClinVar's aggregate classification.

Genetic Services Laboratory, University of Chicago
Classification: Pathogenic for Autosomal recessive spinocerebellar ataxia 10. Last evaluated: 2021-03-24. Review status: no assertion criteria provided. Collection method: clinical testing. Allele origin: germline. Affected: yes. Not counted in ClinVar's aggregate classification.
Comment: The c.132dup variant results in an amino acid frameshift and creates a premature stop codon 9 amino acids downstream of the change, p.Asp45Argfs*9. This sequence change is predicted to result in an abnormal transcript, which may be degraded, or may lead to the production of a truncated ANO10 protein with potentially abnormal function. This sequence change has previously been described in the homozygous and compound heterozygous states in individuals with cerebellar ataxia (PMIDs: 25089919, 29482223, 25133958, 25664549, 31423897, 29915382). Functional studies have demonstrated that this sequence change decreases the expression of ANO10 (PMID: 25182700). It has been described in the gnomAD database with a population frequency of 0.058% in non-Finnish European subpopulation (dbSNP rs540331226). These collective evidences indicate that c.132dup (p.Asp45Argfs*9) is pathogenic.

OMIM
Classification: Uncertain significance for RECLASSIFIED - VARIANT OF UNKNOWN SIGNIFICANCE. Last evaluated: 2014-11-01. Review status: no assertion criteria provided. Collection method: literature only. Allele origin: germline. Not counted in ClinVar's aggregate classification.

Literature cited by the submitters: PubMed 25089919 (cited by 7 submitters); PubMed 30838263 (cited by 3 submitters); PubMed 36698452 (cited by Otogenetics and Mayo Clinic Laboratories, Mayo Clinic); PVS1: Frameshift indel introduces premature stop codon in gene with loss of function as mechanism of disease, predicted to undergo NMD (cited by Otogenetics); PM2_Supporting: Maximum gnomAD MAF of 0.079% in European-Non Finnish (NFE) subpopulation (<0.079% threshold) (cited by Otogenetics); PM3_VeryStrong: Variant reported in homozygous state in three affected individuals and in trans with five pathogenic variants in five individuals affected with spinocerebellar ataxia (PMID: 25089919, 30838263, 36698452) (cited by Otogenetics); PubMed 25133958 (cited by 4 submitters); PubMed 25182700 (cited by 5 submitters); PubMed 29915382 (cited by Mayo Clinic Laboratories, Mayo Clinic and Athena Diagnostics); PubMed 34234304 (cited by Mayo Clinic Laboratories, Mayo Clinic); PubMed 34663476 (cited by Mayo Clinic Laboratories, Mayo Clinic); PubMed 35256372 (cited by Mayo Clinic Laboratories, Mayo Clinic); PubMed 36271925 (cited by Mayo Clinic Laboratories, Mayo Clinic); PubMed 36681873 (cited by Mayo Clinic Laboratories, Mayo Clinic); PubMed 38374194 (cited by Mayo Clinic Laboratories, Mayo Clinic); PubMed 27045840 (cited by Athena Diagnostics); PubMed 30078120 (cited by Athena Diagnostics); PubMed 27142713 (cited by Athena Diagnostics); PubMed 29482223 (cited by Athena Diagnostics); PubMed 25664549 (cited by Eurofins Ntd Llc (ga) and Laboratory for Molecular Medicine, Mass General Brigham Personalized Medicine); PubMed 39825153 (cited by Solve-RD Consortium); PubMed 25664551 (cited by Equipe Genetique des Anomalies du Developpement, Université de Bourgogne).